The following is an entry in ClinVar:

ClinVar aggregate classification (germline): Benign/Likely benign. Review status: criteria provided, multiple submitters, no conflicts (2 of 4 stars). 3 submissions from 3 submitters: Benign (1); Likely benign (2). Last evaluated 2025-12-09.

Allele frequency attached by ClinVar (database versions not stated): 1000 Genomes Project 30x 0.00016; 1000 Genomes Project 0.00020; TOPMed 0.00023; ESP Exome Variant Server 0.00024; gnomAD 0.00029; ExAC 0.00039.

Submissions (3):

Labcorp Genetics (formerly Invitae), Labcorp
Classification: Benign. Last evaluated: 2025-12-09. Review status: criteria provided, single submitter. Criteria: Invitae Variant Classification Sherloc (09022015). Collection method: clinical testing. Allele origin: germline.

CeGaT Center for Human Genetics Tuebingen
Classification: Likely benign. Last evaluated: 2025-08-01. Review status: criteria provided, single submitter. Criteria: CeGaT Center For Human Genetics Tuebingen Variant Classification Criteria Version 2. Collection method: clinical testing. Allele origin: germline. Affected: yes. Observed: 1 variant allele.
Comment: CACNA1B: BP4, BP7

Blueprint Genetics
Classification: Likely benign. Last evaluated: 2024-09-17. Review status: criteria provided, single submitter. Criteria: ACMG Guidelines, 2015. Collection method: clinical testing. Allele origin: germline.

NM_000718.4(CACNA1B):c.4377G>A (p.Ser1459=)

Gene: CACNA1B (calcium voltage-gated channel subunit alpha1 B; plus strand). Cytogenetic location: 9q34.3.
Variant type: single nucleotide variant.
Coding change: c.4377G>A on transcript NM_000718.4 (MANE Select); coding-DNA position 4377, G replaced by A.
Protein change: p.Ser1459=; no amino-acid change (serine 1459 retained).
Molecular consequence: synonymous variant.
Genome position (GRCh38, 1-based): chr9:138,058,637, G>A. VCF-style: chr9-138058637-G-A. GRCh37 (hg19) VCF-style: chr9-140953089-G-A.
Other names: c.4377G>A, p.Ser1459= (NM_001243812.2).
Identifiers: ClinVar variation 2057819 (VCV002057819.13), dbSNP rs200998212, ClinGen allele CA5376974.
Genomic context (GRCh38, chr9:138,058,637, plus strand): 5'-CATTGACTTCGCCATCAGCGCCAAACCCCTGACACGGTACATGCCCCAAAACCGGCAGTC[G>A]TTCCAGTATAAGACGTGGACATTTGTGGTCTCCCCGCCCTTTGAATACTTCATCATGGCC-3'
Protein context (NP_000709.1, residues 1449-1469): LTRYMPQNRQ[Ser1459=]FQYKTWTFVV